The following is an entry in ClinVar:

ClinVar aggregate classification (germline): Likely benign. Review status: criteria provided, multiple submitters, no conflicts (2 of 4 stars). 2 submissions from 2 submitters: Likely benign (2). Last evaluated 2025-12-08.

gnomAD v4.1: 51 of 1,613,880 alleles (0.0032%); highest among the groups gnomAD compares: Middle Eastern, 0.067%; no homozygotes.

Submissions (2):

Labcorp Genetics (formerly Invitae), Labcorp
Classification: Likely benign. Last evaluated: 2025-12-08. Review status: criteria provided, single submitter. Criteria: Invitae Variant Classification Sherloc (09022015). Collection method: clinical testing. Allele origin: germline.

CeGaT Center for Human Genetics Tuebingen
Classification: Likely benign. Last evaluated: 2024-09-01. Review status: criteria provided, single submitter. Criteria: CeGaT Center For Human Genetics Tuebingen Variant Classification Criteria Version 2. Collection method: clinical testing. Allele origin: germline. Affected: yes. Observed: 1 variant allele.
Comment: ANO6: BP4, BP7

NM_001025356.3(ANO6):c.894C>T (p.Tyr298=)

Gene: ANO6 (anoctamin 6; plus strand). Cytogenetic location: 12q12.
Variant type: single nucleotide variant.
Coding change: c.894C>T on transcript NM_001025356.3 (MANE Select); coding-DNA position 894, C replaced by T.
Protein change: p.Tyr298=; no amino-acid change (tyrosine 298 retained).
Molecular consequence: synonymous variant.
Genome position (GRCh38, 1-based): chr12:45,357,320, C>T. VCF-style: chr12-45357320-C-T. GRCh37 (hg19) VCF-style: chr12-45751103-C-T.
Other names: c.840C>T, p.Tyr280= (NM_001142678.2); c.894C>T, p.Tyr298= (NM_001142679.2); c.957C>T, p.Tyr319= (NM_001204803.2); c.861C>T, p.Tyr287= (NM_001410973.1).
Identifiers: ClinVar variation 3388582 (VCV003388582.16).